The following is an entry in ClinVar:

NM_001358921.2(COQ2):c.-30del

Genes: COQ2 (coenzyme Q2, polyprenyltransferase; minus strand), LOC112997540 (Sharpr-MPRA regulatory region 13773; plus strand). Cytogenetic location: 4q21.23.
Variant type: Deletion.
Coding change: c.-30del on transcript NM_001358921.2 (MANE Select); 30 bases upstream of the start codon, one base deleted (A; older notation c.-30delA).
Molecular consequence: 5 prime UTR variant. On other transcripts: frameshift variant (1).
Genome position (GRCh38, 1-based): chr4:83,284,794, T deleted on the plus strand (A on the coding strand, the reverse complement: COQ2 is on the minus strand); the first of 2 consecutive T bases (chr4:83,284,794-83,284,795); deleting either gives the same sequence. VCF-style (leftmost placement, unchanged base first): chr4-83284793-AT-A. GRCh37 (hg19) VCF-style: chr4-84205946-AT-A.
Other names: c.121delA (NM_015697.7, NM_015697.9); c.121del (NM_015697.8); c.121del, p.Ile41fs (NM_015697.9); short protein forms I41fs.
Identifiers: ClinVar variation 817635 (VCV000817635.15), dbSNP rs1418018696, ClinGen allele CA440233938.

ClinVar aggregate classification (germline): Conflicting classifications of pathogenicity. Review status: criteria provided, conflicting classifications (1 of 4 stars). 7 submissions from 7 submitters: Pathogenic (1); Likely pathogenic (1); Uncertain significance (5). Last evaluated 2026-08-06.

Conditions:
Multiple system atrophy 1, susceptibility to. Also called: MSA1, SUSCEPTIBILITY TO. Identifiers: MedGen C3714927, MONDO:0020715, OMIM 146500.
Coenzyme Q10 deficiency, primary, 1. Also called: UBIQUINONE DEFICIENCY 1; COENZYME Q DEFICIENCY 1; CoQ DEFICIENCY 1. Identifiers: Orphanet 255249, MedGen C3551954, MONDO:0011829, OMIM 607426.
COQ2-related disorder. Also called: COQ2-related condition.

Submissions (7):

OLLIN Analises Genomicas, OLLIN
Classification: Uncertain significance for Multiple system atrophy 1, susceptibility to. Last evaluated: 2026-08-06. Review status: criteria provided, single submitter. Criteria: ACMG Guidelines 2015 PMID 25741868. Collection method: clinical testing. Allele origin: germline. Inheritance: Autosomal recessive inheritance.
Comment: This variant, located in exon 1 (of 7), has been reported in ClinVar (accession VCV000817635.13) and in gnomAD with an allele frequency of 0.00096%. However, to our knowledge, it has not been reported in the scientific literature. According to the currently available evidence, this variant has been classified as uncertain significance (PM2_P, BP4).

GeneDx
Classification: Likely pathogenic. Last evaluated: 2026-02-12. Review status: criteria provided, single submitter. Criteria: GeneDx Variant Classification Process June 2021. Collection method: clinical testing. Allele origin: germline. Affected: yes.
Comment: Frameshift variant predicted to result in protein truncation or nonsense mediated decay in a gene for which loss of function is a known mechanism of disease; Not observed at significant frequency in large population cohorts (gnomAD); Has not been previously published as pathogenic or benign to our knowledge

Women's Health and Genetics/Laboratory Corporation of America, LabCorp
Classification: Pathogenic for Coenzyme Q10 deficiency, primary, 1. Last evaluated: 2025-11-05. Review status: criteria provided, single submitter. Criteria: LabCorp Variant Classification Summary - May 2015. Collection method: clinical testing. Allele origin: germline.
Comment: Variant summary: COQ2 c.121delA (p.Ile41SerfsX131) results in a premature termination codon, predicted to cause a truncation of the encoded protein or absence of the protein due to nonsense mediated decay, which are commonly known mechanisms for disease. The variant allele was found at a frequency of 5.4e-06 in 186634 control chromosomes. To our knowledge, no occurrence of c.121delA in individuals affected with COQ2-related conditions and no experimental evidence demonstrating its impact on protein function have been reported. ClinVar contains an entry for this variant (Variation ID: 817635). Based on the evidence outlined above, the variant was classified as pathogenic.

Fulgent Genetics
Classification: Uncertain significance for Multiple system atrophy 1, susceptibility to; Coenzyme Q10 deficiency, primary, 1. Last evaluated: 2024-04-20. Review status: criteria provided, single submitter. Criteria: ACMG Guidelines, 2015. Collection method: clinical testing. Allele origin: germline.

PreventionGenetics, part of Exact Sciences
Classification: Uncertain significance for COQ2-related condition. Last evaluated: 2023-04-21. Review status: criteria provided, single submitter. Criteria: ACMG Guidelines, 2015. Collection method: clinical testing. Allele origin: germline.
Comment: The COQ2 c.121delA variant is predicted to result in a frameshift and premature protein termination (p.Ile41Serfs*131). To our knowledge, this variant has not been reported in the literature. Although frameshift variants in COQ2 have been reported, this variant occurs in exon 1. Experimental studies have shown that alternative start codons (in-frame methionines) within exon 1 may be used, including an in-frame methionine downstream of the the c.121delA variant (Desbats. 2016. PubMed ID: 27493029). Therefore, the biological impact of this variant is uncertain. This variant is reported in 0.0012% of alleles in individuals of European (Non-Finnish) descent in gnomAD. Although we suspect that this variant may be pathogenic, at this time, the clinical significance of this variant is uncertain due to the absence of conclusive functional and genetic evidence.

Labcorp Genetics (formerly Invitae), Labcorp
Classification: Uncertain significance. Last evaluated: 2023-01-12. Review status: criteria provided, single submitter. Criteria: Invitae Variant Classification Sherloc (09022015). Collection method: clinical testing. Allele origin: germline.
Comment: In summary, the available evidence is currently insufficient to determine the role of this variant in disease. Therefore, it has been classified as a Variant of Uncertain Significance. ClinVar contains an entry for this variant (Variation ID: 817635). This sequence change creates a premature translational stop signal (p.Ile41Serfs*131) in the COQ2 gene. However, it is currently unclear if variants that occur in this region of the gene cause disease. This variant is not present in population databases (gnomAD no frequency). This variant has not been reported in the literature in individuals affected with COQ2-related conditions.

Blueprint Genetics
Classification: Uncertain significance. Last evaluated: 2022-05-04. Review status: criteria provided, single submitter. Criteria: ACMG Guidelines, 2015. Collection method: clinical testing. Allele origin: germline.